The following is an entry in ClinVar:

ClinVar aggregate classification (germline): Uncertain significance. Review status: criteria provided, multiple submitters, no conflicts (2 of 4 stars). 2 submissions from 2 submitters: Uncertain significance (2). Last evaluated 2025-03-06.

Conditions:
Hereditary cancer-predisposing syndrome. Also called: Neoplastic Syndromes, Hereditary; Tumor predisposition; Hereditary Cancer Syndrome; Hereditary neoplastic syndrome. Identifiers: Orphanet 140162, MedGen C0027672, MeSH D009386, MONDO:0015356.
Gastrointestinal stromal tumor. Also called: Gastrointestinal stromal tumor, somatic; Gastrointestinal stroma tumor. Identifiers: Orphanet 44890, MedGen C0238198, MeSH D046152, MONDO:0011719, OMIM 606764, HP:0100723.

Submissions (2):

Labcorp Genetics (formerly Invitae), Labcorp
Classification: Uncertain significance for Gastrointestinal stromal tumor. Last evaluated: 2025-03-06. Review status: criteria provided, single submitter. Criteria: Invitae Variant Classification Sherloc (09022015). Collection method: clinical testing. Allele origin: germline.
Comment: This sequence change replaces serine, which is neutral and polar, with glycine, which is neutral and non-polar, at codon 628 of the KIT protein (p.Ser628Gly). This variant is not present in population databases (gnomAD no frequency). This variant has not been reported in the literature in individuals affected with KIT-related conditions. ClinVar contains an entry for this variant (Variation ID: 1781913). An algorithm developed to predict the effect of missense changes on protein structure and function (PolyPhen-2) suggests that this variant is likely to be disruptive. In summary, the available evidence is currently insufficient to determine the role of this variant in disease. Therefore, it has been classified as a Variant of Uncertain Significance.

Ambry Genetics
Classification: Uncertain significance for Hereditary cancer-predisposing syndrome. Last evaluated: 2021-08-07. Review status: criteria provided, single submitter. Criteria: Ambry Variant Classification Scheme 2023. Collection method: clinical testing. Allele origin: germline.
Comment: The p.S628G variant (also known as c.1882A>G), located in coding exon 13 of the KIT gene, results from an A to G substitution at nucleotide position 1882. The serine at codon 628 is replaced by glycine, an amino acid with similar properties. This amino acid position is conserved. In addition, the in silico prediction for this alteration is inconclusive. Since supporting evidence is limited at this time, the clinical significance of this alteration remains unclear.

NM_000222.3(KIT):c.1882A>G (p.Ser628Gly)

Gene: KIT (KIT proto-oncogene, receptor tyrosine kinase; plus strand). Cytogenetic location: 4q12.
Variant type: single nucleotide variant.
Coding change: c.1882A>G on transcript NM_000222.3 (MANE Select); coding-DNA position 1882, A replaced by G.
Protein change: p.Ser628Gly; replaces serine 628 with glycine.
Molecular consequence: missense variant.
Genome position (GRCh38, 1-based): chr4:54,728,013, A>G. VCF-style: chr4-54728013-A-G. GRCh37 (hg19) VCF-style: chr4-55594179-A-G.
Other names: c.1870A>G, p.Ser624Gly (NM_001093772.2, NM_001385286.1); c.1885A>G, p.Ser629Gly (NM_001385284.1, NM_001385290.1); c.1882A>G, p.Ser628Gly (NM_001385285.1); c.1873A>G, p.Ser625Gly (NM_001385288.1, NM_001385292.1); short protein forms S629G, S625G, S628G, S624G.
Identifiers: ClinVar variation 1781913 (VCV001781913.3), dbSNP rs2109781171, ClinGen allele CA356908368.
Genomic context (GRCh38, chr4:54,728,013, plus strand): 5'-CGCTTGACATCAGTTTGCCAGTTGTGCTTTTTGCTAAAATGCATGTTTCCAATTTTAGCG[A>G]GTGCCCATTTGACAGAACGGGAAGCCCTCATGTCTGAACTCAAAGTCCTGAGTTACCTTG-3'
Protein context (NP_000213.1, residues 618-638): MTVAVKMLKP[Ser628Gly]AHLTEREALM